The following is an entry in ClinVar:

NM_000257.4(MYH7):c.4721G>C (p.Arg1574Pro)

Genes: MHRT (myosin heavy chain associated RNA transcript; plus strand), MYH7 (myosin heavy chain 7; minus strand), LOC126861897 (BRD4-independent group 4 enhancer GRCh37_chr14:23884455-23885654; plus strand). Cytogenetic location: 14q11.2.
Variant type: single nucleotide variant.
Coding change: c.4721G>C on transcript NM_000257.4 (MANE Select); coding-DNA position 4721, G replaced by C.
Protein change: p.Arg1574Pro; replaces arginine 1574 with proline.
Molecular consequence: missense variant. On other transcripts: non-coding transcript variant (1).
Genome position (GRCh38, 1-based): chr14:23,416,236, C>G on the plus strand (G>C on the coding strand, the complement: MYH7 is on the minus strand). VCF-style: chr14-23416236-C-G. GRCh37 (hg19) VCF-style: chr14-23885445-C-G.
Other names: c.4721G>C (NM_000257.3); short protein forms R1574P.
Identifiers: ClinVar variation 1370753 (VCV001370753.7), dbSNP rs779715863, ClinGen allele CA389037781.

ClinVar aggregate classification (germline): Uncertain significance. Review status: criteria provided, multiple submitters, no conflicts (2 of 4 stars). 2 submissions from 2 submitters: Uncertain significance (2). Last evaluated 2025-04-09.

Conditions:
Hypertrophic cardiomyopathy. Also called: HYPERTROPHIC MYOCARDIOPATHY. Identifiers: Orphanet 217569, MedGen C0007194, MeSH D002312, MONDO:0005045, HP:0001639.
Cardiovascular phenotype. Identifiers: MedGen CN230736.

Submissions (2):

Molecular Diagnostic Laboratory for Inherited Cardiovascular Disease, Montreal Heart Institute
Classification: Uncertain significance for Cardiovascular phenotype. Last evaluated: 2025-04-09. Review status: criteria provided, single submitter. Criteria: ACMG Guidelines, 2015. Collection method: clinical testing. Allele origin: germline. Affected: yes.

Labcorp Genetics (formerly Invitae), Labcorp
Classification: Uncertain significance for Hypertrophic cardiomyopathy. Last evaluated: 2021-07-28. Review status: criteria provided, single submitter. Criteria: Invitae Variant Classification Sherloc (09022015). Collection method: clinical testing. Allele origin: germline.
Comment: In summary, the available evidence is currently insufficient to determine the role of this variant in disease. Therefore, it has been classified as a Variant of Uncertain Significance. Algorithms developed to predict the effect of missense changes on protein structure and function are either unavailable or do not agree on the potential impact of this missense change (SIFT: "Deleterious"; PolyPhen-2: "Probably Damaging"; Align-GVGD: "Class C0"). This variant has not been reported in the literature in individuals affected with MYH7-related conditions. This variant is not present in population databases (ExAC no frequency). This sequence change replaces arginine with proline at codon 1574 of the MYH7 protein (p.Arg1574Pro). The arginine residue is highly conserved and there is a moderate physicochemical difference between arginine and proline.